The following is an entry in ClinVar:

NM_206933.4(USH2A):c.7068T>C (p.Asn2356=)

Gene: USH2A (usherin; minus strand). Cytogenetic location: 1q41.
Variant type: single nucleotide variant.
Coding change: c.7068T>C on transcript NM_206933.4 (MANE Select); coding-DNA position 7068, T replaced by C.
Protein change: p.Asn2356=; no amino-acid change (asparagine 2356 retained).
Molecular consequence: synonymous variant.
Genome position (GRCh38, 1-based): chr1:215,965,369, A>G on the plus strand (T>C on the coding strand, the complement: USH2A is on the minus strand). VCF-style: chr1-215965369-A-G. GRCh37 (hg19) VCF-style: chr1-216138711-A-G.
Other names: c.7068T>C (NM_206933.2).
Identifiers: ClinVar variation 1120516 (VCV001120516.12), dbSNP rs200038092, ClinGen allele CA423316937.

ClinVar aggregate classification (germline): Likely benign. Review status: criteria provided, multiple submitters, no conflicts (2 of 4 stars). 3 submissions from 3 submitters: Likely benign (3). Last evaluated 2024-12-12.

Conditions:
USH2A-related disorder. Also called: USH2A-related condition; USH2A-related disorders. Identifiers: MedGen CN239332.

gnomAD v4.1: 3 of 1,613,818 alleles (0.00019%); highest among the groups gnomAD compares: African/African-American, 0.0027%; no homozygotes.

Submissions (3):

PreventionGenetics, part of Exact Sciences
Classification: Likely benign for USH2A-related condition. Last evaluated: 2024-12-12. Review status: criteria provided, single submitter. Criteria: ACMG Guidelines, 2015. Collection method: clinical testing. Allele origin: germline.
Comment: This variant is classified as likely benign based on ACMG/AMP sequence variant interpretation guidelines (Richards et al. 2015 PMID: 25741868, with internal and published modifications).

Labcorp Genetics (formerly Invitae), Labcorp
Classification: Likely benign. Last evaluated: 2023-12-13. Review status: criteria provided, single submitter. Criteria: Invitae Variant Classification Sherloc (09022015). Collection method: clinical testing. Allele origin: germline.

Breakthrough Genomics
Classification: Likely benign. Review status: criteria provided, single submitter. Criteria: ACMG Guidelines, 2015. Collection method: not provided. Allele origin: germline. Inheritance: Autosomal recessive inheritance. Affected: yes.